The following is an entry in ClinVar:

NM_001110556.2(FLNA):c.-6C>G

Gene: FLNA (filamin A; minus strand). Cytogenetic location: Xq28.
Variant type: single nucleotide variant.
Coding change: c.-6C>G on transcript NM_001110556.2 (MANE Select); 6 bases upstream of the start codon, C replaced by G.
Molecular consequence: 5 prime UTR variant.
Genome position (GRCh38, 1-based): chrX:154,371,251, G>C on the plus strand (C>G on the coding strand, the complement: FLNA is on the minus strand). VCF-style: chrX-154371251-G-C. GRCh37 (hg19) VCF-style: chrX-153599619-G-C.
Other names: c.-6C>G (NM_001456.4).
Identifiers: ClinVar variation 3340693 (VCV003340693.1).
Genomic context (GRCh38, chrX:154,371,251, plus strand): 5'-CGCCCGGAGCCGCGCCTGCTGCGCTCTGGCCCGCCCGAGAGTGGGAGCTACTCATTTTGA[G>C]GCGCGAGAAGCCGGGGGGGCGGTGCTGCAGCCTCGGCGAGGGGACGGCCCTTTAATTAAA-3'

ClinVar aggregate classification (germline): Uncertain significance (1 of 4 stars; one submission).

Submission:

GeneDx
Classification: Uncertain significance. Last evaluated: 2024-01-29. Review status: criteria provided, single submitter. Criteria: GeneDx Variant Classification Process June 2021. Collection method: clinical testing. Allele origin: germline. Affected: yes.
Comment: Not observed at significant frequency in large population cohorts (gnomAD); Located in a region that tolerates variation and lacks pathogenic variants; Has not been previously published as pathogenic or benign to our knowledge